The following is an entry in ClinVar:

NM_001044.5(SLC6A3):c.1619T>C (p.Ile540Thr)

Gene: SLC6A3 (solute carrier family 6 member 3). Cytogenetic location: 5p15.33.
Variant type: single nucleotide variant.
Coding change: c.1619T>C on transcript NM_001044.5 (MANE Select); coding-DNA position 1619, T replaced by C.
Protein change: p.Ile540Thr; replaces isoleucine 540 with threonine.
Molecular consequence: missense variant.
Genome position (GRCh38, 1-based): chr5:1,403,070, A>G on the plus strand (T>C on the coding strand, the complement: SLC6A3 is on the minus strand). VCF-style: chr5-1403070-A-G. GRCh37 (hg19) VCF-style: chr5-1403185-A-G.
Other names: short protein forms I540T.
Identifiers: ClinVar variation 2048765 (VCV002048765.1), dbSNP rs1348476161, ClinGen allele CA359074547.

ClinVar aggregate classification (germline): Uncertain significance (1 of 4 stars; one submission).

Conditions:
Parkinsonism-dystonia, infantile. Identifiers: Orphanet 238455, MedGen C2751067, MONDO:0013150.

Allele frequency attached by ClinVar (database versions not stated): gnomAD 0.00001.
gnomAD v4.1: 1 of 1,613,638 alleles (0.000062%); highest among the groups gnomAD compares: Non-Finnish European, 0.000085%; no homozygotes.

Submission:

Labcorp Genetics (formerly Invitae), Labcorp
Classification: Uncertain significance for Parkinsonism-dystonia, infantile. Last evaluated: 2022-08-05. Review status: criteria provided, single submitter. Criteria: Invitae Variant Classification Sherloc (09022015). Collection method: clinical testing. Allele origin: germline.
Comment: This sequence change replaces isoleucine, which is neutral and non-polar, with threonine, which is neutral and polar, at codon 540 of the SLC6A3 protein (p.Ile540Thr). This variant is present in population databases (no rsID available, gnomAD 0.007%). This variant has not been reported in the literature in individuals affected with SLC6A3-related conditions. Algorithms developed to predict the effect of missense changes on protein structure and function are either unavailable or do not agree on the potential impact of this missense change (SIFT: "Deleterious"; PolyPhen-2: "Benign"; Align-GVGD: "Class C0"). In summary, the available evidence is currently insufficient to determine the role of this variant in disease. Therefore, it has been classified as a Variant of Uncertain Significance.